The following is an entry in ClinVar:

ClinVar aggregate classification (germline): Uncertain significance (1 of 4 stars; one submission).

Conditions:
Rhabdoid tumor predisposition syndrome 2 (RTPS2). Identifiers: Orphanet 231108, Orphanet 69077, MedGen C2750074, MONDO:0013224, OMIM 613325.

Submission:

Labcorp Genetics (formerly Invitae), Labcorp
Classification: Uncertain significance for Rhabdoid tumor predisposition syndrome 2. Last evaluated: 2022-11-25. Review status: criteria provided, single submitter. Criteria: Invitae Variant Classification Sherloc (09022015). Collection method: clinical testing. Allele origin: germline.
Comment: This sequence change replaces tyrosine, which is neutral and polar, with cysteine, which is neutral and slightly polar, at codon 1123 of the SMARCA4 protein (p.Tyr1123Cys). In summary, the available evidence is currently insufficient to determine the role of this variant in disease. Therefore, it has been classified as a Variant of Uncertain Significance. Advanced modeling of protein sequence and biophysical properties (such as structural, functional, and spatial information, amino acid conservation, physicochemical variation, residue mobility, and thermodynamic stability) performed at Invitae indicates that this missense variant is expected to disrupt SMARCA4 protein function. This variant has not been reported in the literature in individuals affected with SMARCA4-related conditions. This variant is not present in population databases (gnomAD no frequency).

NM_003072.5(SMARCA4):c.3368A>G (p.Tyr1123Cys)

Gene: SMARCA4 (SWI/SNF related BAF chromatin remodeling complex subunit ATPase 4; plus strand). Cytogenetic location: 19p13.2.
Variant type: single nucleotide variant.
Coding change: c.3368A>G on transcript NM_003072.5 (MANE Select); coding-DNA position 3368, A replaced by G.
Protein change: p.Tyr1123Cys; replaces tyrosine 1123 with cysteine.
Molecular consequence: missense variant. On other transcripts: non-coding transcript variant (1).
Genome position (GRCh38, 1-based): chr19:11,027,936, A>G. VCF-style: chr19-11027936-A-G. GRCh37 (hg19) VCF-style: chr19-11138612-A-G.
Other names: c.3368A>G, p.Tyr1123Cys (NM_001128844.3, NM_001128845.2, NM_001128846.2 and 6 more transcripts); short protein forms Y1123C.
Identifiers: ClinVar variation 2816658 (VCV002816658.3), dbSNP rs2146546206, ClinGen allele CA404061891.